The following is an entry in ClinVar:

ClinVar aggregate classification (germline): Likely benign. Review status: criteria provided, multiple submitters, no conflicts (2 of 4 stars). 2 submissions from 2 submitters: Likely benign (2). Last evaluated 2026-08-01.

Conditions:
Kleefstra syndrome 1 (KLEFS1). Identifiers: Orphanet 261494, MedGen C0795833, MONDO:0027407, OMIM 610253.

Allele frequency attached by ClinVar (database versions not stated): gnomAD exomes below 0.00001; gnomAD 0.00001.
gnomAD v4.1: 4 of 1,611,720 alleles (0.00025%); highest among the groups gnomAD compares: Non-Finnish European, 0.00034%; no homozygotes.

Submissions (2):

CeGaT Center for Human Genetics Tuebingen
Classification: Likely benign. Last evaluated: 2026-08-01. Review status: criteria provided, single submitter. Criteria: CeGaT Center For Human Genetics Tuebingen Variant Classification Criteria Version 2. Collection method: clinical testing. Allele origin: germline. Affected: yes. Observed: 1 variant allele.
Comment: EHMT1: BS2

Labcorp Genetics (formerly Invitae), Labcorp
Classification: Likely benign for Kleefstra syndrome 1. Last evaluated: 2025-01-19. Review status: criteria provided, single submitter. Criteria: Invitae Variant Classification Sherloc (09022015). Collection method: clinical testing. Allele origin: germline.

NM_024757.5(EHMT1):c.3295C>G (p.Pro1099Ala)

Gene: EHMT1 (euchromatic histone lysine methyltransferase 1; plus strand). Cytogenetic location: 9q34.3.
Variant type: single nucleotide variant.
Coding change: c.3295C>G on transcript NM_024757.5 (MANE Select); coding-DNA position 3295, C replaced by G.
Protein change: p.Pro1099Ala; replaces proline 1099 with alanine.
Molecular consequence: missense variant.
Genome position (GRCh38, 1-based): chr9:137,815,983, C>G. VCF-style: chr9-137815983-C-G. GRCh37 (hg19) VCF-style: chr9-140710435-C-G.
Other names: c.3274C>G, p.Pro1092Ala (NM_001354263.2); short protein forms P1092A, P1099A.
Identifiers: ClinVar variation 1087752 (VCV001087752.10), dbSNP rs901785447, ClinGen allele CA201845858.